The following is an entry in ClinVar:

ClinVar aggregate classification (germline): Uncertain significance. Review status: criteria provided, multiple submitters, no conflicts (2 of 4 stars). 4 submissions from 4 submitters: Uncertain significance (4). Last evaluated 2026-08-06.

Conditions:
Partial hypoxanthine-guanine phosphoribosyltransferase deficiency. Also called: Kelley-Seegmiller Syndrome; GOUT, HPRT-RELATED; HPRT DEFICIENCY, PARTIAL; HYPOXANTHINE GUANINE PHOSPHORIBOSYLTRANSFERASE 1 DEFICIENCY, PARTIAL; HPRT1 DEFICIENCY, PARTIAL. Identifiers: Orphanet 79233, MedGen C0268117, MONDO:0010299, OMIM 300323.
Lesch-Nyhan syndrome (LNS). Also called: HPRT DEFICIENCY, COMPLETE; Lesch-Nyhan Disease (LND). Identifiers: Orphanet 510, MedGen C0023374, MONDO:0010298, OMIM 300322.
Nephrolithiasis/nephrocalcinosis. Identifiers: MedGen CN580796.

gnomAD v4.1: 2 of 1,206,161 alleles (0.00017%); highest among the groups gnomAD compares: Admixed American, 0.0044%; no homozygotes.

Submissions (4):

Ambry Genetics
Classification: Uncertain significance for Nephrolithiasis/nephrocalcinosis. Last evaluated: 2026-08-06. Review status: criteria provided, single submitter. Criteria: Ambry Variant Classification Scheme 2023. Collection method: clinical testing. Allele origin: germline.
Comment: The c.431A>G (p.Q144R) alteration is located in exon 6 (coding exon 6) of the HPRT1 gene. This alteration results from a A to G substitution at nucleotide position 431, causing the glutamine (Q) at amino acid position 144 to be replaced by an arginine (R). Based on data from gnomAD, the G allele has an overall frequency of 0.001% (2/205201) total alleles studied. The highest observed frequency was 0.007% (2/28044) of Latino alleles. This amino acid position is not well conserved in available vertebrate species. The in silico prediction for this alteration is inconclusive. Based on insufficient or conflicting evidence, the clinical significance of this alteration remains unclear.

Labcorp Genetics (formerly Invitae), Labcorp
Classification: Uncertain significance for Lesch-Nyhan syndrome; Partial hypoxanthine-guanine phosphoribosyltransferase deficiency. Last evaluated: 2025-09-08. Review status: criteria provided, single submitter. Criteria: Invitae Variant Classification Sherloc (09022015). Collection method: clinical testing. Allele origin: germline.
Comment: This sequence change replaces glutamine, which is neutral and polar, with arginine, which is basic and polar, at codon 144 of the HPRT1 protein (p.Gln144Arg). This variant is present in population databases (no rsID available, gnomAD 0.007%), including at least one homozygous and/or hemizygous individual. This variant has not been reported in the literature in individuals affected with HPRT1-related conditions. ClinVar contains an entry for this variant (Variation ID: 3359395). An algorithm developed to predict the effect of missense changes on protein structure and function (PolyPhen-2) suggests that this variant is likely to be tolerated. In summary, the available evidence is currently insufficient to determine the role of this variant in disease. Therefore, it has been classified as a Variant of Uncertain Significance.

Fulgent Genetics
Classification: Uncertain significance for Lesch-Nyhan syndrome; Partial hypoxanthine-guanine phosphoribosyltransferase deficiency. Last evaluated: 2024-05-13. Review status: criteria provided, single submitter. Criteria: ACMG Guidelines, 2015. Collection method: clinical testing. Allele origin: germline.

GeneDx
Classification: Uncertain significance. Last evaluated: 2023-06-07. Review status: criteria provided, single submitter. Criteria: GeneDx Variant Classification Process June 2021. Collection method: clinical testing. Allele origin: germline. Affected: yes.
Comment: In silico analysis supports that this missense variant does not alter protein structure/function; Has not been previously published as pathogenic or benign to our knowledge

NM_000194.3(HPRT1):c.431A>G (p.Gln144Arg)

Gene: HPRT1 (hypoxanthine phosphoribosyltransferase 1; plus strand). Cytogenetic location: Xq26.2.
Variant type: single nucleotide variant.
Coding change: c.431A>G on transcript NM_000194.3 (MANE Select); coding-DNA position 431, A replaced by G.
Protein change: p.Gln144Arg; replaces glutamine 144 with arginine.
Molecular consequence: missense variant.
Genome position (GRCh38, 1-based): chrX:134,493,536, A>G. VCF-style: chrX-134493536-A-G. GRCh37 (hg19) VCF-style: chrX-133627566-A-G.
Other names: short protein forms Q144R.
Identifiers: ClinVar variation 3359395 (VCV003359395.4).